The following is an entry in ClinVar:

NM_020831.6(MRTFA):c.777+7G>T

Gene: MRTFA (myocardin related transcription factor A; minus strand). Cytogenetic location: 22q13.1.
Variant type: single nucleotide variant.
Coding change: c.777+7G>T on transcript NM_020831.6 (MANE Select); 7 bases into the intron after coding-DNA position 777, G replaced by T.
Molecular consequence: intron variant.
Genome position (GRCh38, 1-based): chr22:40,424,199, C>A on the plus strand (G>T on the coding strand, the complement: MRTFA is on the minus strand). VCF-style: chr22-40424199-C-A. GRCh37 (hg19) VCF-style: chr22-40820203-C-A.
Other names: c.477+7G>T (NM_020831.4, NM_001282660.2); c.777+7G>T (NM_001282661.3, NM_001282662.3); c.582+7G>T (NM_001318139.2).
Identifiers: ClinVar variation 1683146 (VCV001683146.11), dbSNP rs200474478, ClinGen allele CA10249878.

ClinVar aggregate classification (germline): Benign/Likely benign. Review status: criteria provided, multiple submitters, no conflicts (2 of 4 stars). 3 submissions from 3 submitters: Benign (1); Likely benign (1). 1 of the submissions does not count toward it. Last evaluated 2025-12-23.

Conditions:
MRTFA-related disorder. Also called: MRTFA-related condition.

Allele frequency attached by ClinVar (database versions not stated): gnomAD exomes 0.00041; ExAC 0.00044; 1000 Genomes Project 30x 0.00062; 1000 Genomes Project 0.00080.
gnomAD v4.1: 323 of 1,587,594 alleles (0.02%); highest among the groups gnomAD compares: East Asian, 0.61%; 1 homozygote.

Submissions (3):

Labcorp Genetics (formerly Invitae), Labcorp
Classification: Benign. Last evaluated: 2025-12-23. Review status: criteria provided, single submitter. Criteria: Invitae Variant Classification Sherloc (09022015). Collection method: clinical testing. Allele origin: germline.

Blueprint Genetics
Classification: Likely benign. Last evaluated: 2024-11-22. Review status: criteria provided, single submitter. Criteria: ACMG Guidelines, 2015. Collection method: clinical testing. Allele origin: germline.

PreventionGenetics, part of Exact Sciences
Classification: Likely benign for MRTFA-related condition. Last evaluated: 2023-09-28. Review status: no assertion criteria provided. Collection method: clinical testing. Allele origin: germline. Not counted in ClinVar's aggregate classification.
Comment: This variant is classified as likely benign based on ACMG/AMP sequence variant interpretation guidelines (Richards et al. 2015 PMID: 25741868, with internal and published modifications).